The following is an entry in ClinVar:

ClinVar aggregate classification (germline): Pathogenic. Review status: reviewed by expert panel (3 of 4 stars). 12 submissions from 12 submitters: Pathogenic (1). 11 of the submissions do not count toward it. Last evaluated 2023-06-26.

Conditions:
CDH23-related disorder. Also called: CDH23-related condition; CDH23-related disorders.
Syndromic retinitis pigmentosa. Identifiers: Orphanet 98661, MedGen C5680332, MONDO:0020240.
Pituitary adenoma 5, multiple types. Identifiers: MedGen C4539685, MONDO:0054601, OMIM 617540.
Usher syndrome type 1D (USH1D). Also called: USHER SYNDROME, TYPE ID. Identifiers: Orphanet 231169, Orphanet 886, MedGen C1832845, MONDO:0010984, OMIM 601067.
Autosomal recessive nonsyndromic hearing loss 12. Also called: DEAFNESS, AUTOSOMAL RECESSIVE 12. Identifiers: Orphanet 90636, MedGen C1832394, MONDO:0011067, OMIM 601386.
Nonsyndromic genetic hearing loss. Also called: Nonsyndromic hearing loss and deafness; Non-syndromic genetic deafness; Nonsyndromic genetic deafness. Identifiers: Orphanet 87884, MedGen C5680182, MONDO:0019497.
Usher syndrome type 1 (USH1). Also called: RETINITIS PIGMENTOSA AND CONGENITAL DEAFNESS. Identifiers: Orphanet 231169, Orphanet 886, MedGen C1568247, MONDO:0010168, OMIM 276900.

Allele frequency attached by ClinVar (database versions not stated): gnomAD 0.00002; gnomAD exomes 0.00002; TOPMed 0.00002; ExAC 0.00003.
gnomAD v4.1: 61 of 1,612,088 alleles (0.0038%); highest among the groups gnomAD compares: East Asian, 0.1%; no homozygotes.

Submissions (12):

ClinGen Hearing Loss Variant Curation Expert Panel
Classification: Pathogenic for Nonsyndromic genetic hearing loss. Last evaluated: 2023-06-26. Review status: reviewed by expert panel. Criteria: Clingen Hl Acmg Specifications Cdh23 Coch Gjb2 Kcnq4 Myo6 Myo7a Slc26a4 Tecta Ush2a V2. Collection method: curation. Allele origin: germline. Inheritance: Autosomal recessive inheritance.
Comment: The c.6085C>T variant in CDH23 is a missense variant predicted to cause substitution of arginine by tryptophan at amino acid 2029 (p.Arg2029Trp). The highest population minor allele frequency in gnomAD v2.1.1 is 0.02% (3/17816 alleles) in the East Asian population. (PM2_Supporting, BS1, and BA1 are not met). The computational predictor REVEL gives a score of 0.7, evidence that correlates with impact to CDH23 function (PP3). This variant has been detected in many individuals with hearing loss or deafness, without any reported vision loss or evidence of retinopathy. Of those individuals, over 10 were homozygous or compound heterozygous for the variant and a pathogenic or likely pathogenic and many of those were confirmed in trans (6.75 PM3_Very Strong points, PMID: 35020051, 25963016, 22899989, 17850630). The variant has been reported to segregate with hearing loss in 1 affected family member from 1 family (PP1_Supporting; PMID: 22899989, 17850630). In summary, this variant meets the criteria to be classified as Pathogenic for autosomal recessive hearing loss based on the ACMG/AMP criteria applied, as specified by the ClinGen Hearing Loss VCEP: PM3_VeryStrong, PP3, PP1. (VCEP specifications version 2; 06.26.2023).

PreventionGenetics, part of Exact Sciences
Classification: Pathogenic for CDH23-related condition. Last evaluated: 2026-05-18. Review status: criteria provided, single submitter. Criteria: ACMG Guidelines, 2015. Collection method: clinical testing. Allele origin: germline. Not counted in ClinVar's aggregate classification.
Comment: The CDH23 c.6085C>T variant is predicted to result in the amino acid substitution p.Arg2029Trp. This variant was reported in the homozygous and compound heterozygous states in three patients with hearing loss (Wagatsuma et al 2007. PubMed ID: 17850630; Mizutari et al 2015. PubMed ID: 25963016; Usami et al. 2022. PubMed ID: 35020051; Table 3, Miyagawa et al. 2012. PubMed ID: 22899989). Some studies suggest that in the homozygous state or in combination with certain CDH23 pathogenic variants this variant results in later onset hearing loss (Usami et al. 2022. PubMed ID: 35020051; Table 3, Miyagawa et al. 2012. PubMed ID: 22899989). This variant is reported in 0.017% of alleles in individuals of East Asian descent in gnomAD. This variant is curated in ClinVar by the ClinGen Hearing Loss Variant Curation Expert Panel as pathogenic (Variation ID: 446446). This variant is interpreted as pathogenic.

Natera, Inc.
Classification: Likely pathogenic for Usher syndrome type 1. Last evaluated: 2025-09-16. Review status: criteria provided, single submitter. Criteria: Natera Variant Classification Schema (03/2026). Collection method: clinical testing. Allele origin: germline. Not counted in ClinVar's aggregate classification.
Comment: The c.6085C>T variant in CDH23 is a missense variant predicted to cause substitution of arginine to tryptophan at amino acid 2029. This variant is rare in the general population with a frequency below the threshold expected for the associated phenotype(s). This variant has been observed in one or more individuals affected with the associated recessive disease, as either homozygous or compound heterozygous with a second variant (PMID: 35020051). Computational prediction algorithms indicate this variant is likely to affect gene or protein function. Given the available evidence, this variant is classified as Likely Pathogenic.

Victorian Clinical Genetics Services, Murdoch Childrens Research Institute
Classification: Pathogenic for Usher syndrome type 1D. Last evaluated: 2024-10-10. Review status: criteria provided, single submitter. Criteria: ACMG Guidelines, 2015. Collection method: clinical testing. Allele origin: germline. Inheritance: Autosomal recessive inheritance. Not counted in ClinVar's aggregate classification.
Comment: Based on the classification scheme VCGS_Germline_v1.3.5, this variant is classified as Pathogenic. Following criteria are met: 0102 - Loss of function is a known mechanism of disease in this gene and is associated with deafness 12 (MIM#601386) and Usher syndrome, type 1D/F (MIM#601067). (I) 0106 - This gene is associated with autosomal recessive disease. (I) 0200 - Variant is predicted to result in a missense amino acid change from arginine to tryptophan. (I) 0251 - This variant is heterozygous. (I) 0304 - Variant is present in gnomAD (v4) <0.01 for a recessive condition (61 heterozygotes, 0 homozygotes). (SP) 0309 - Multiple alternative amino acid changes at the same position have been observed in gnomAD (v4) (highest allele frequency: 88 heterozygote, 1 homozygote). (I) 0502 - Missense variant with conflicting in silico predictions and uninformative conservation. (I) 0801 - This variant has very strong previous evidence of pathogenicity in unrelated individuals. It has been reported as pathogenic for non-syndromic genetic hearing loss by the ClinGen Hearing Loss Variant Curation Expert Panel (ClinVar). In addition, it has been reported as homozygous and compound heterozygous with other missense in individuals affected with non-syndromic hearing loss (PMID: 35020051, 25963016, 22899989). (SP) Legend: (SP) - Supporting pathogenic, (I) - Information, (SB) - Supporting benign

Lab De Baere, Eye and Developmental Genetics Lab, Ghent University
Classification: Pathogenic for Syndromic retinitis pigmentosa. Last evaluated: 2024-10-01. Review status: criteria provided, single submitter. Criteria: ACMG Guidelines, 2015. Collection method: research. Allele origin: inherited. Affected: yes. Observed: 1 variant allele. Not counted in ClinVar's aggregate classification.
Comment: ACMG/AMP guidelines: PM2, PP5, PP3, PP1, PM3_PVS

Labcorp Genetics (formerly Invitae), Labcorp
Classification: Pathogenic. Last evaluated: 2024-07-19. Review status: criteria provided, single submitter. Criteria: Invitae Variant Classification Sherloc (09022015). Collection method: clinical testing. Allele origin: germline. Not counted in ClinVar's aggregate classification.
Comment: This sequence change replaces arginine, which is basic and polar, with tryptophan, which is neutral and slightly polar, at codon 2029 of the CDH23 protein (p.Arg2029Trp). This variant is present in population databases (rs750880909, gnomAD 0.02%). This missense change has been observed in individual(s) with deafness (PMID: 17850630, 22899989, 25963016). In at least one individual the data is consistent with being in trans (on the opposite chromosome) from a pathogenic variant. It has also been observed to segregate with disease in related individuals. ClinVar contains an entry for this variant (Variation ID: 446446). Advanced modeling of protein sequence and biophysical properties (such as structural, functional, and spatial information, amino acid conservation, physicochemical variation, residue mobility, and thermodynamic stability) has been performed at Invitae for this missense variant, however the output from this modeling did not meet the statistical confidence thresholds required to predict the impact of this variant on CDH23 protein function. For these reasons, this variant has been classified as Pathogenic.

Fulgent Genetics
Classification: Likely pathogenic for Usher syndrome type 1D; Autosomal recessive nonsyndromic hearing loss 12; Pituitary adenoma 5, multiple types. Last evaluated: 2024-05-26. Review status: criteria provided, single submitter. Criteria: ACMG Guidelines, 2015. Collection method: clinical testing. Allele origin: germline. Not counted in ClinVar's aggregate classification.

Baylor Genetics
Classification: Likely pathogenic for Pituitary adenoma 5, multiple types. Last evaluated: 2024-01-31. Review status: criteria provided, single submitter. Criteria: ACMG Guidelines, 2015. Collection method: clinical testing. Allele origin: unknown. Not counted in ClinVar's aggregate classification.

Blueprint Genetics
Classification: Pathogenic for CDH23-related disorders. Last evaluated: 2023-02-06. Review status: criteria provided, single submitter. Criteria: ACMG Guidelines, 2015. Collection method: clinical testing. Allele origin: germline. Affected: yes. Observed: 2 variant alleles. Not counted in ClinVar's aggregate classification.

GeneDx
Classification: Likely pathogenic. Last evaluated: 2022-05-17. Review status: criteria provided, single submitter. Criteria: GeneDx Variant Classification Process June 2021. Collection method: clinical testing. Allele origin: germline. Affected: yes. Not counted in ClinVar's aggregate classification.
Comment: Not observed at a significant frequency in large population cohorts (gnomAD); In silico analysis, which includes protein predictors and evolutionary conservation, supports a deleterious effect; This variant is associated with the following publications: (PMID: 25587757, 26763877, 32027099, 34599366, 35020051, 17850630, 22899989, 25963016)

Division of Hearing and Balance Research, National Hospital Organization Tokyo Medical Center
Classification: Pathogenic for Autosomal recessive nonsyndromic hearing loss 12. Last evaluated: 2017-07-01. Review status: criteria provided, single submitter. Criteria: Submitter's publication. Collection method: clinical testing. Allele origin: germline. Affected: yes. Observed: 2 variant alleles. Not counted in ClinVar's aggregate classification.

Juno Genomics, Hangzhou Juno Genomics, Inc
Classification: Pathogenic for Usher syndrome type 1D; Pituitary adenoma 5, multiple types; Autosomal recessive nonsyndromic hearing loss 12. Review status: criteria provided, single submitter. Criteria: ACMG Guidelines, 2015. Collection method: clinical testing. Allele origin: germline. Not counted in ClinVar's aggregate classification.
Comment: Multiple lines of computational evidence support a deleterious effect on the gene or gene product.;For recessive disorders, detected in trans with a pathogenic variant.;Co-segregation with disease in multiple affected family members.

Literature cited by the submitters: PubMed 35020051 (cited by Natera, Inc. and Victorian Clinical Genetics Services, Murdoch Childrens Research Institute); PubMed 22899989 (cited by Victorian Clinical Genetics Services, Murdoch Childrens Research Institute and Labcorp Genetics (formerly Invitae), Labcorp); PubMed 25963016 (cited by Victorian Clinical Genetics Services, Murdoch Childrens Research Institute and Labcorp Genetics (formerly Invitae), Labcorp); PubMed 17850630 (cited by Labcorp Genetics (formerly Invitae), Labcorp).

NM_022124.6(CDH23):c.6085C>T (p.Arg2029Trp)

Gene: CDH23 (cadherin related 23; plus strand). Cytogenetic location: 10q22.1.
Variant type: single nucleotide variant.
Coding change: c.6085C>T on transcript NM_022124.6 (MANE Select); coding-DNA position 6085, C replaced by T.
Protein change: p.Arg2029Trp; replaces arginine 2029 with tryptophan.
Molecular consequence: missense variant.
Genome position (GRCh38, 1-based): chr10:71,791,167, C>T. VCF-style: chr10-71791167-C-T. GRCh37 (hg19) VCF-style: chr10-73550924-C-T.
Other names: NM_022124.6(CDH23):c.6085C>T; p.Arg2029Trp; short protein forms R2029W.
Identifiers: ClinVar variation 446446 (VCV000446446.16), dbSNP rs750880909, ClinGen allele CA5545996.